The following is an entry in ClinVar:

ClinVar aggregate classification (germline): Conflicting classifications of pathogenicity. Review status: criteria provided, conflicting classifications (1 of 4 stars). 3 submissions from 3 submitters: Uncertain significance (2); Likely benign (1). Last evaluated 2025-08-11.

Conditions:
Inborn genetic diseases. Identifiers: MedGen C0950123, MeSH D030342.

Allele frequency attached by ClinVar (database versions not stated): ExAC 0.00003; gnomAD 0.00003; TOPMed 0.00005; ESP Exome Variant Server 0.00008.
gnomAD v4.1: 68 of 1,613,346 alleles (0.0042%); highest among the groups gnomAD compares: Non-Finnish European, 0.0056%; no homozygotes.

Submissions (3):

Labcorp Genetics (formerly Invitae), Labcorp
Classification: Uncertain significance. Last evaluated: 2025-08-11. Review status: criteria provided, single submitter. Criteria: Invitae Variant Classification Sherloc (09022015). Collection method: clinical testing. Allele origin: germline.
Comment: This sequence change replaces proline, which is neutral and non-polar, with threonine, which is neutral and polar, at codon 310 of the BRD4 protein (p.Pro310Thr). This variant is present in population databases (rs145334204, gnomAD 0.007%). This variant has not been reported in the literature in individuals affected with BRD4-related conditions. ClinVar contains an entry for this variant (Variation ID: 2867888). Invitae Evidence Modeling of protein sequence and biophysical properties (such as structural, functional, and spatial information, amino acid conservation, physicochemical variation, residue mobility, and thermodynamic stability) indicates that this missense variant is not expected to disrupt BRD4 protein function with a negative predictive value of 80%. In summary, the available evidence is currently insufficient to determine the role of this variant in disease. Therefore, it has been classified as a Variant of Uncertain Significance.

Ambry Genetics
Classification: Uncertain significance for Inborn genetic diseases. Last evaluated: 2025-03-31. Review status: criteria provided, single submitter. Criteria: Ambry Variant Classification Scheme 2023. Collection method: clinical testing. Allele origin: germline.

CeGaT Center for Human Genetics Tuebingen
Classification: Likely benign. Last evaluated: 2024-08-01. Review status: criteria provided, single submitter. Criteria: CeGaT Center For Human Genetics Tuebingen Variant Classification Criteria Version 2. Collection method: clinical testing. Allele origin: germline. Affected: yes. Observed: 1 variant allele.
Comment: BRD4: BP4

NM_001379291.1(BRD4):c.928C>A (p.Pro310Thr)

Gene: BRD4 (bromodomain containing 4; minus strand). Cytogenetic location: 19p13.12.
Variant type: single nucleotide variant.
Coding change: c.928C>A on transcript NM_001379291.1 (MANE Select); coding-DNA position 928, C replaced by A.
Protein change: p.Pro310Thr; replaces proline 310 with threonine.
Molecular consequence: missense variant.
Genome position (GRCh38, 1-based): chr19:15,264,688, G>T on the plus strand (C>A on the coding strand, the complement: BRD4 is on the minus strand). VCF-style: chr19-15264688-G-T. GRCh37 (hg19) VCF-style: chr19-15375499-G-T.
Other names: c.928C>A (NM_058243.2); c.928C>A, p.Pro310Thr (NM_001330384.2, NM_001379292.1, NM_014299.3 and 1 more transcripts); short protein forms P310T.
Identifiers: ClinVar variation 2867888 (VCV002867888.19), dbSNP rs145334204, ClinGen allele CA9265489.